The following is an entry in ClinVar:

NM_000329.3(RPE65):c.240_241dup (p.Arg81fs)

Gene: RPE65 (retinoid isomerohydrolase RPE65; minus strand). Cytogenetic location: 1p31.3.
Variant type: Microsatellite.
Coding change: c.240_241dup on transcript NM_000329.3 (MANE Select); coding-DNA positions 240 to 241, 2 bases duplicated (CA; older notation c.240_241dupCA).
Protein change: p.Arg81fs; shifts the reading frame from arginine 81.
Molecular consequence: frameshift variant. On other transcripts: 5 prime UTR variant (1), intron variant (1).
Genome position (GRCh38, 1-based): chr1:68,446,714-68,446,715, TG duplicated on the plus strand (CA on the coding strand, the reverse complement: RPE65 is on the minus strand); duplicating any 2 consecutive bases within chr1:68,446,714-68,446,717 gives the same sequence; the c. name uses the placement nearest the transcript's 3' end. VCF-style (leftmost placement, unchanged base first): chr1-68446713-C-CTG. GRCh37 (hg19) VCF-style: chr1-68912396-C-CTG.
Other names: c.240_241dup, p.Arg81fs (NM_001406853.1, NM_001406859.1, NM_001406860.1); c.-39CA[3] (NM_001406857.1); c.-31-1834CA[3] (NM_001406856.1); short protein forms R81fs.
Identifiers: ClinVar variation 5014827 (VCV005014827.1).
Genomic context (GRCh38, chr1:68,446,713, plus strand): 5'-AGGAGCCAAGCTAGGCCCTACTTTGAGGAGGAGGAGTGGCATGGAGTGCTGCTTTACCTT[C>CTG]TGTGGTATGTGACATGTCCTTCTTTAAAGTCAAACTTGTGCAGGAGGGCTTGCCCATCAA-3'

ClinVar aggregate classification (germline): Pathogenic (1 of 4 stars; one submission).

Conditions:
RPE65-related recessive retinopathy. Also called: Recessive RPE65 retinopathy. Identifiers: MedGen CN305526, MONDO:0100368.

Submission:

Myriad Genetics, Inc.
Classification: Pathogenic for RPE65-related recessive retinopathy. Last evaluated: 2025-08-06. Review status: criteria provided, single submitter. Criteria: Myriad Autosomal Dominant, Autosomal Recessive and X-Linked Classification Criteria (2023). Collection method: clinical testing. Allele origin: unknown.
Comment: NM_000329.2(RPE65):c.240_241dupCA(R81Tfs*14) is expected to be pathogenic in the context of inherited retinal dystrophy, RPE65-related. This variant is predicted to lead to an abnormal or absent protein product due to the creation of a premature termination codon in RPE65, a gene where loss-of-function variants are known to be pathogenic. Please note: this variant was assessed in the context of healthy population screening.